The following is an entry in ClinVar:

NM_004415.4(DSP):c.778-9C>G

Gene: DSP (desmoplakin; plus strand). Cytogenetic location: 6p24.3.
Variant type: single nucleotide variant.
Coding change: c.778-9C>G on transcript NM_004415.4 (MANE Select); 9 bases into the intron before coding-DNA position 778, C replaced by G.
Molecular consequence: intron variant.
Genome position (GRCh38, 1-based): chr6:7,565,350, C>G. VCF-style: chr6-7565350-C-G. GRCh37 (hg19) VCF-style: chr6-7565583-C-G.
Other names: c.778-9C>G (NM_001319034.2, NM_001008844.3, NM_001406591.1).
Identifiers: ClinVar variation 3386619 (VCV003386619.1).

ClinVar aggregate classification (germline): Likely benign (1 of 4 stars; one submission).

Conditions:
Arrhythmogenic cardiomyopathy with wooly hair and keratoderma. Also called: Carvajal syndrome; PALMOPLANTAR KERATODERMA WITH LEFT VENTRICULAR CARDIOMYOPATHY AND WOOLLY HAIR; Dilated cardiomyopathy with woolly hair and keratoderma; Arrhythmogenic cardiomyopathy with woolly hair and keratoderma. Identifiers: Orphanet 65282, MedGen C1854063, MONDO:0011581, OMIM 605676.

Submission:

All of Us Research Program, National Institutes of Health
Classification: Likely benign for Arrhythmogenic cardiomyopathy with wooly hair and keratoderma. Last evaluated: 2024-03-14. Review status: criteria provided, single submitter. Criteria: ACMG Guidelines, 2015. Collection method: clinical testing. Allele origin: germline. Inheritance: Autosomal dominant inheritance. Observed: 1 variant allele, 1 heterozygote.
Comment: This study involves interpretation of variants in research participants for the purpose of population health screening. Participant phenotype was not available at the time of variant classification. Additional details can be found in publication PMID: 35346344, PMCID: PMC8962531